The following is an entry in ClinVar:

NM_000092.5(COL4A4):c.976-2A>G

Gene: COL4A4 (collagen type IV alpha 4 chain; minus strand). Cytogenetic location: 2q36.3.
Variant type: single nucleotide variant.
Coding change: c.976-2A>G on transcript NM_000092.5 (MANE Select); the canonical splice acceptor site of the intron before coding-DNA position 976, A replaced by G.
Molecular consequence: splice acceptor variant.
Genome position (GRCh38, 1-based): chr2:227,101,559, T>C on the plus strand (A>G on the coding strand, the complement: COL4A4 is on the minus strand). VCF-style: chr2-227101559-T-C. GRCh37 (hg19) VCF-style: chr2-227966275-T-C.
Identifiers: ClinVar variation 2875775 (VCV002875775.3), dbSNP rs2475532203, ClinGen allele CA350856060.

ClinVar aggregate classification (germline): Likely pathogenic (1 of 4 stars; one submission).

Submission:

Labcorp Genetics (formerly Invitae), Labcorp
Classification: Likely pathogenic. Last evaluated: 2023-04-13. Review status: criteria provided, single submitter. Criteria: Invitae Variant Classification Sherloc (09022015). Collection method: clinical testing. Allele origin: germline.
Comment: This sequence change affects an acceptor splice site in intron 16 of the COL4A4 gene. It is expected to disrupt RNA splicing. Variants that disrupt the donor or acceptor splice site typically lead to a loss of protein function (PMID: 16199547), and loss-of-function variants in COL4A4 are known to be pathogenic (PMID: 21196518, 24854265, 25307543). This variant is not present in population databases (gnomAD no frequency). This variant has not been reported in the literature in individuals affected with COL4A4-related conditions. Algorithms developed to predict the effect of sequence changes on RNA splicing suggest that this variant may disrupt the consensus splice site. In summary, the currently available evidence indicates that the variant is pathogenic, but additional data are needed to prove that conclusively. Therefore, this variant has been classified as Likely Pathogenic.

Literature cited by the submitters: PubMed 16199547; PubMed 21196518; PubMed 24854265; PubMed 25307543.